The following is an entry in ClinVar:

NM_001458.5(FLNC):c.4321G>A (p.Val1441Met)

Gene: FLNC (filamin C; plus strand). Cytogenetic location: 7q32.1.
Variant type: single nucleotide variant.
Coding change: c.4321G>A on transcript NM_001458.5 (MANE Select); coding-DNA position 4321, G replaced by A.
Protein change: p.Val1441Met; replaces valine 1441 with methionine.
Molecular consequence: missense variant.
Genome position (GRCh38, 1-based): chr7:128,847,729, G>A. VCF-style: chr7-128847729-G-A. GRCh37 (hg19) VCF-style: chr7-128487783-G-A.
Other names: c.4321G>A, p.Val1441Met (NM_001127487.2); short protein forms V1441M.
Identifiers: ClinVar variation 2921678 (VCV002921678.3), dbSNP rs2536645730, ClinGen allele CA369201172.
Genomic context (GRCh38, chr7:128,847,729, plus strand): 5'-GCAGGGTCTAATGTCCTTCTCCTCACAGGGAGCCCGTTCCGCGTGCCAGTGAAGGATGTG[G>A]TGGACCCTGGGAAGGTGAAGTGCTCAGGGCCAGGGCTGGGGGCTGGTGTCAGGGCCCGGG-3'
Protein context (NP_001449.3, residues 1431-1451): SPFRVPVKDV[Val1441Met]DPGKVKCSGP

ClinVar aggregate classification (germline): Uncertain significance (1 of 4 stars; one submission).

Conditions:
Myofibrillar myopathy 5. Also called: FILAMINOPATHY, AUTOSOMAL DOMINANT; Filaminopathy (type). Identifiers: Orphanet 171445, MedGen C1836050, MONDO:0012289, OMIM 609524.
Hypertrophic cardiomyopathy 26. Also called: Cardiomyopathy, familial hypertrophic, 26. Identifiers: Orphanet 75249, MedGen C4310749, MONDO:0014883, OMIM 617047.
Distal myopathy with posterior leg and anterior hand involvement. Also called: WILLIAMS DISTAL MYOPATHY. Identifiers: Orphanet 63273, MedGen C3279722, MONDO:0013550, OMIM 614065.

Submission:

Labcorp Genetics (formerly Invitae), Labcorp
Classification: Uncertain significance for Distal myopathy with posterior leg and anterior hand involvement; Myofibrillar myopathy 5; Hypertrophic cardiomyopathy 26. Last evaluated: 2024-01-04. Review status: criteria provided, single submitter. Criteria: Invitae Variant Classification Sherloc (09022015). Collection method: clinical testing. Allele origin: germline.
Comment: This sequence change replaces valine, which is neutral and non-polar, with methionine, which is neutral and non-polar, at codon 1441 of the FLNC protein (p.Val1441Met). This variant is not present in population databases (gnomAD no frequency). This variant has not been reported in the literature in individuals affected with FLNC-related conditions. Advanced modeling of protein sequence and biophysical properties (such as structural, functional, and spatial information, amino acid conservation, physicochemical variation, residue mobility, and thermodynamic stability) has been performed at Invitae for this missense variant, however the output from this modeling did not meet the statistical confidence thresholds required to predict the impact of this variant on FLNC protein function. In summary, the available evidence is currently insufficient to determine the role of this variant in disease. Therefore, it has been classified as a Variant of Uncertain Significance.